The following is an entry in ClinVar:

NM_002334.4(LRP4):c.2815-11G>T

Gene: LRP4 (LDL receptor related protein 4; minus strand). Cytogenetic location: 11p11.2.
Variant type: single nucleotide variant.
Coding change: c.2815-11G>T on transcript NM_002334.4 (MANE Select); 11 bases into the intron before coding-DNA position 2815, G replaced by T.
Molecular consequence: intron variant.
Genome position (GRCh38, 1-based): chr11:46,879,326, C>A on the plus strand (G>T on the coding strand, the complement: LRP4 is on the minus strand). VCF-style: chr11-46879326-C-A. GRCh37 (hg19) VCF-style: chr11-46900877-C-A.
Identifiers: ClinVar variation 2115029 (VCV002115029.4), dbSNP rs2134808584, ClinGen allele CA2580084150.

ClinVar aggregate classification (germline): Uncertain significance (1 of 4 stars; one submission).

Conditions:
Cenani-Lenz syndactyly syndrome. Also called: CENANI SYNDACTYLISM; SYNDACTYLY, TYPE VII. Identifiers: Orphanet 3258, MedGen C1859309, MONDO:0008931, OMIM 212780.
Sclerosteosis 2 (SOST2). Identifiers: Orphanet 3152, MedGen C3280402, MONDO:0013679, OMIM 614305.
Congenital myasthenic syndrome 17. Identifiers: Orphanet 590, MedGen C4225377, MONDO:0014578, OMIM 616304.

Submission:

Labcorp Genetics (formerly Invitae), Labcorp
Classification: Uncertain significance for Cenani-Lenz syndactyly syndrome; Sclerosteosis 2; Congenital myasthenic syndrome 17. Last evaluated: 2022-03-20. Review status: criteria provided, single submitter. Criteria: Invitae Variant Classification Sherloc (09022015). Collection method: clinical testing. Allele origin: germline.
Comment: In summary, the available evidence is currently insufficient to determine the role of this variant in disease. Therefore, it has been classified as a Variant of Uncertain Significance. Algorithms developed to predict the effect of sequence changes on RNA splicing suggest that this variant may disrupt the consensus splice site. This variant has not been reported in the literature in individuals affected with LRP4-related conditions. This variant is not present in population databases (gnomAD no frequency). This sequence change falls in intron 20 of the LRP4 gene. It does not directly change the encoded amino acid sequence of the LRP4 protein.